The following is an entry in ClinVar:

NM_001366686.3(SIK3):c.4023T>G (p.Ser1341=)

Genes: APOA1-AS (APOA1 antisense RNA; plus strand), SIK3 (SIK family kinase 3; minus strand). Cytogenetic location: 11q23.3.
Variant type: single nucleotide variant.
Coding change: c.4023T>G on transcript NM_001366686.3 (MANE Select); coding-DNA position 4023, T replaced by G.
Protein change: p.Ser1341=; no amino-acid change (serine 1341 retained).
Molecular consequence: synonymous variant.
Genome position (GRCh38, 1-based): chr11:116,846,483, A>C on the plus strand (T>G on the coding strand, the complement: SIK3 is on the minus strand). VCF-style: chr11-116846483-A-C. GRCh37 (hg19) VCF-style: chr11-116717199-A-C.
Other names: c.3222T>G, p.Ser1074= (NM_001281748.3); c.3699T>G, p.Ser1233= (NM_001281749.3); c.3879T>G, p.Ser1293= (NM_025164.6).
Identifiers: ClinVar variation 3043213 (VCV003043213.2), dbSNP rs539085925, ClinGen allele CA6289971.

ClinVar aggregate classification (germline): Likely benign (0 of 4 stars; one submission).

Conditions:
SIK3-related disorder. Also called: SIK3-related condition.

Allele frequency attached by ClinVar (database versions not stated): gnomAD 0.00001; ExAC 0.00004; 1000 Genomes Project 30x 0.00016; 1000 Genomes Project 0.00020.
gnomAD v4.1: 53 of 1,614,232 alleles (0.0033%); highest among the groups gnomAD compares: South Asian, 0.057%; no homozygotes.

Submission:

PreventionGenetics, part of Exact Sciences
Classification: Likely benign for SIK3-related condition. Last evaluated: 2019-07-01. Review status: no assertion criteria provided. Collection method: clinical testing. Allele origin: germline.
Comment: This variant is classified as likely benign based on ACMG/AMP sequence variant interpretation guidelines (Richards et al. 2015 PMID: 25741868, with internal and published modifications).